The following is an entry in ClinVar:

ClinVar aggregate classification (germline): Uncertain significance (1 of 4 stars; one submission).

Conditions:
Cardiomyopathy (CMYO). Also called: Cardiomyopathies. Identifiers: Orphanet 167848, MedGen C0878544, MONDO:0004994, HP:0001638. Inheritance: Various modes of inheritance.

Allele frequency attached by ClinVar (database versions not stated): gnomAD exomes below 0.00001.
gnomAD v4.1: 2 of 1,602,300 alleles (0.00012%); highest among the groups gnomAD compares: Non-Finnish European, 0.00017%; no homozygotes.

Submission:

Color Diagnostics, LLC DBA Color Health
Classification: Uncertain significance for Cardiomyopathy. Last evaluated: 2023-12-05. Review status: criteria provided, single submitter. Criteria: ACMG Guidelines, 2015. Collection method: clinical testing. Allele origin: germline.
Comment: This missense variant replaces alanine with threonine at codon 3598 of the RYR2 protein. Computational prediction tools and conservation analyses suggest that this variant may have deleterious impact on protein structure and function. Splice site prediction tools suggest that this variant may not impact RNA splicing. To our knowledge, functional studies have not been performed for this variant. This variant has not been reported in individuals affected with cardiovascular disorders in the literature. This variant has not been identified in the general population by the Genome Aggregation Database (gnomAD). The available evidence is insufficient to determine the role of this variant in disease conclusively. Therefore, this variant is classified as a Variant of Uncertain Significance.

NM_001035.3(RYR2):c.10792G>A (p.Ala3598Thr)

Gene: RYR2 (ryanodine receptor 2; plus strand). Cytogenetic location: 1q43.
Variant type: single nucleotide variant.
Coding change: c.10792G>A on transcript NM_001035.3 (MANE Select); coding-DNA position 10792, G replaced by A.
Protein change: p.Ala3598Thr; replaces alanine 3598 with threonine.
Molecular consequence: missense variant.
Genome position (GRCh38, 1-based): chr1:237,727,153, G>A. VCF-style: chr1-237727153-G-A. GRCh37 (hg19) VCF-style: chr1-237890453-G-A.
Other names: short protein forms A3598T.
Identifiers: ClinVar variation 918421 (VCV000918421.5), dbSNP rs1690267868, ClinGen allele CA345416928.